The following is an entry in ClinVar:

ClinVar aggregate classification (germline): Uncertain significance (1 of 4 stars; one submission).

Conditions:
Hereditary cancer-predisposing syndrome. Also called: Neoplastic Syndromes, Hereditary; Tumor predisposition; Hereditary neoplastic syndrome; Hereditary Cancer Syndrome. Identifiers: Orphanet 140162, MedGen C0027672, MeSH D009386, MONDO:0015356.

Submission:

Color Diagnostics, LLC DBA Color Health
Classification: Uncertain significance for Hereditary cancer-predisposing syndrome. Last evaluated: 2023-12-05. Review status: criteria provided, single submitter. Criteria: ACMG Guidelines, 2015. Collection method: clinical testing. Allele origin: germline.
Comment: This missense variant replaces tyrosine with phenylalanine at codon 1038 of the MSH6 protein. Computational prediction suggests that this variant may not impact protein structure and function (internally defined REVEL score threshold <= 0.5, PMID: 27666373). To our knowledge, functional studies have not been reported for this variant. This variant has not been reported in individuals affected with MSH6-related disorders in the literature. This variant has not been identified in the general population by the Genome Aggregation Database (gnomAD). The available evidence is insufficient to determine the role of this variant in disease conclusively. Therefore, this variant is classified as a Variant of Uncertain Significance.

NM_000179.3(MSH6):c.3113A>T (p.Tyr1038Phe)

Gene: MSH6 (mutS homolog 6; plus strand). Cytogenetic location: 2p16.3.
Variant type: single nucleotide variant.
Coding change: c.3113A>T on transcript NM_000179.3 (MANE Select); coding-DNA position 3113, A replaced by T.
Protein change: p.Tyr1038Phe; replaces tyrosine 1038 with phenylalanine.
Molecular consequence: missense variant.
Genome position (GRCh38, 1-based): chr2:47,801,096, A>T. VCF-style: chr2-47801096-A-T. GRCh37 (hg19) VCF-style: chr2-48028235-A-T.
Other names: c.2723A>T, p.Tyr908Phe (NM_001281492.2); c.2207A>T, p.Tyr736Phe (NM_001281493.2, NM_001281494.2); short protein forms Y1038F, Y736F, Y908F.
Identifiers: ClinVar variation 627925 (VCV000627925.4), dbSNP rs773357672, ClinGen allele CA346756618.
Genomic context (GRCh38, chr2:47,801,096, plus strand): 5'-TCATAAATGCTGAAGAACGGAGGGATGTATCATTGAAGGACTGCATGCGGCGACTGTTCT[A>T]TAACTTTGATAAAAATTACAAGGACTGGCAGTCTGCTGTAGAGTGTATCGCAGTGTTGGG-3'
Protein context (NP_000170.1, residues 1028-1048): SLKDCMRRLF[Tyr1038Phe]NFDKNYKDWQ